The following is an entry in ClinVar:

NM_014762.4(DHCR24):c.731C>T (p.Pro244Leu)

Gene: DHCR24 (24-dehydrocholesterol reductase; minus strand). Cytogenetic location: 1p32.3.
Variant type: single nucleotide variant.
Coding change: c.731C>T on transcript NM_014762.4 (MANE Select); coding-DNA position 731, C replaced by T.
Protein change: p.Pro244Leu; replaces proline 244 with leucine.
Molecular consequence: missense variant.
Genome position (GRCh38, 1-based): chr1:54,871,495, G>A on the plus strand (C>T on the coding strand, the complement: DHCR24 is on the minus strand). VCF-style: chr1-54871495-G-A. GRCh37 (hg19) VCF-style: chr1-55337168-G-A.
Other names: short protein forms P244L.
Identifiers: ClinVar variation 284658 (VCV000284658.21), dbSNP rs138667252, ClinGen allele CA870739.

ClinVar aggregate classification (germline): Conflicting classifications of pathogenicity. Review status: criteria provided, conflicting classifications (1 of 4 stars). 10 submissions from 10 submitters: Uncertain significance (8); Likely benign (2). Last evaluated 2026-03-02.

Conditions:
DHCR24-related disorder. Also called: DHCR24-related condition.
Inborn genetic diseases. Identifiers: MedGen C0950123, MeSH D030342.
Desmosterolosis. Identifiers: Orphanet 35107, MedGen C1865596, MONDO:0011217, OMIM 602398.

Allele frequency attached by ClinVar (database versions not stated): ExAC 0.00052; gnomAD exomes 0.00057 and 0.00097; gnomAD 0.00058 and 0.00061; TOPMed 0.00062; ESP Exome Variant Server 0.00077.
gnomAD v4.1: 1,477 of 1,614,108 alleles (0.092%); highest among the groups gnomAD compares: Non-Finnish European, 0.12%; 2 homozygotes.

Submissions (10):

Women's Health and Genetics/Laboratory Corporation of America, LabCorp
Classification: Uncertain significance. Last evaluated: 2026-03-02. Review status: criteria provided, single submitter. Criteria: LabCorp Variant Classification Summary - May 2015. Collection method: clinical testing. Allele origin: germline.
Comment: Variant summary: DHCR24 c.731C>T (p.Pro244Leu) results in a non-conservative amino acid change in the encoded protein sequence. Algorithms developed to predict the effect of missense changes on protein structure and function all suggest that this variant is likely to be disruptive. The variant allele was found at a frequency of 0.00057 in 251406 control chromosomes in the gnomAD database, including 1 homozygotes. This frequency is not significantly higher than estimated for disease-causing variants in DHCR24, allowing no conclusion about variant significance. To our knowledge, no occurrence of c.731C>T in individuals affected with DHCR24-related conditions and no experimental evidence demonstrating its impact on protein function have been reported. ClinVar contains an entry for this variant (Variation ID: 284658). Based on the evidence outlined above, the variant was classified as uncertain significance.

PreventionGenetics, part of Exact Sciences
Classification: Likely benign for DHCR24-related condition. Last evaluated: 2025-12-11. Review status: criteria provided, single submitter. Criteria: ACMG Guidelines, 2015. Collection method: clinical testing. Allele origin: germline.
Comment: This variant is classified as likely benign based on ACMG/AMP sequence variant interpretation guidelines (Richards et al. 2015 PMID: 25741868, with internal and published modifications).

Blueprint Genetics
Classification: Likely benign. Last evaluated: 2024-10-10. Review status: criteria provided, single submitter. Criteria: ACMG Guidelines, 2015. Collection method: clinical testing. Allele origin: germline.

Labcorp Genetics (formerly Invitae), Labcorp
Classification: Uncertain significance. Last evaluated: 2022-10-21. Review status: criteria provided, single submitter. Criteria: Invitae Variant Classification Sherloc (09022015). Collection method: clinical testing. Allele origin: germline.
Comment: This sequence change replaces proline, which is neutral and non-polar, with leucine, which is neutral and non-polar, at codon 244 of the DHCR24 protein (p.Pro244Leu). This variant is present in population databases (rs138667252, gnomAD 0.1%), including at least one homozygous and/or hemizygous individual. This variant has not been reported in the literature in individuals affected with DHCR24-related conditions. ClinVar contains an entry for this variant (Variation ID: 284658). Advanced modeling of protein sequence and biophysical properties (such as structural, functional, and spatial information, amino acid conservation, physicochemical variation, residue mobility, and thermodynamic stability) has been performed at Invitae for this missense variant, however the output from this modeling did not meet the statistical confidence thresholds required to predict the impact of this variant on DHCR24 protein function. In summary, the available evidence is currently insufficient to determine the role of this variant in disease. Therefore, it has been classified as a Variant of Uncertain Significance.

Ambry Genetics
Classification: Uncertain significance for Inborn genetic diseases. Last evaluated: 2022-01-31. Review status: criteria provided, single submitter. Criteria: Ambry Variant Classification Scheme 2023. Collection method: clinical testing. Allele origin: germline.

Fulgent Genetics
Classification: Uncertain significance for Desmosterolosis. Last evaluated: 2018-10-31. Review status: criteria provided, single submitter. Criteria: ACMG Guidelines, 2015. Collection method: clinical testing. Allele origin: unknown.

Eurofins Ntd Llc (ga)
Classification: Uncertain significance. Last evaluated: 2017-04-27. Review status: criteria provided, single submitter. Criteria: EGL Classification Definitions 2015. Collection method: clinical testing. Allele origin: germline. Observed: 2 variant alleles, 2 heterozygotes.

Illumina Laboratory Services, Illumina
Classification: Uncertain significance for Desmosterolosis. Last evaluated: 2017-04-27. Review status: criteria provided, single submitter. Criteria: ICSL Variant Classification Criteria 13 December 2019. Collection method: clinical testing. Allele origin: germline.

Genetic Services Laboratory, University of Chicago
Classification: Uncertain significance. Last evaluated: 2017-01-09. Review status: criteria provided, single submitter. Criteria: ACMG Guidelines, 2015. Collection method: clinical testing. Allele origin: germline. Affected: no.

Breakthrough Genomics
Classification: Uncertain significance. Review status: criteria provided, single submitter. Criteria: ACMG Guidelines, 2015. Collection method: not provided. Allele origin: germline. Inheritance: Autosomal recessive inheritance. Affected: yes.